The following is an entry in ClinVar:

ClinVar aggregate classification (germline): Uncertain significance (0 of 4 stars; one submission).

Submission:

Richard Lifton Laboratory, Yale University School of Medicine
Classification: Uncertain significance. Review status: no assertion criteria provided. Collection method: not provided. Allele origin: somatic.
Comment: LRRFIP2
ClinVar note: Converted during submission from unknown to Uncertain significance.

NM_006309.4(LRRFIP2):c.90+1G>C

Gene: LRRFIP2 (LRR binding FLII interacting protein 2; minus strand). Cytogenetic location: 3p22.2.
Variant type: single nucleotide variant.
Coding change: c.90+1G>C on transcript NM_006309.4 (MANE Select); the canonical splice donor site of the intron after coding-DNA position 90, G replaced by C.
Molecular consequence: splice donor variant.
Genome position (GRCh38, 1-based): chr3:37,148,893, C>G on the plus strand (G>C on the coding strand, the complement: LRRFIP2 is on the minus strand). VCF-style: chr3-37148893-C-G. GRCh37 (hg19) VCF-style: chr3-37190384-C-G.
Other names: c.90+1G>C (NM_017724.2, NM_001348308.1, NM_001348304.1 and 15 more transcripts).
Identifiers: ClinVar variation 91970 (VCV000091970.2), dbSNP rs386352387, ClinGen allele CA232268.